The following is an entry in ClinVar:

NM_181552.4(CUX1):c.3551G>A (p.Arg1184Gln)

Gene: CUX1 (cut like homeobox 1; plus strand). Cytogenetic location: 7q22.1.
Variant type: single nucleotide variant.
Coding change: c.3551G>A on transcript NM_181552.4 (MANE Select); coding-DNA position 3551, G replaced by A.
Protein change: p.Arg1184Gln; replaces arginine 1184 with glutamine.
Molecular consequence: missense variant. On other transcripts: intron variant (5).
Genome position (GRCh38, 1-based): chr7:102,234,169, G>A. VCF-style: chr7-102234169-G-A. GRCh37 (hg19) VCF-style: chr7-101877449-G-A.
Other names: c.3584G>A, p.Arg1195Gln (NM_001202543.2); c.1255+38566G>A (NM_001913.5); c.1249+38566G>A (NM_181500.4); c.1117+38566G>A (NM_001202545.3); c.1207+38566G>A (NM_001202544.3); c.1138+38566G>A (NM_001202546.3); short protein forms R1184Q, R1195Q.
Identifiers: ClinVar variation 2497864 (VCV002497864.1), dbSNP rs1554531766, ClinGen allele CA368698027.

ClinVar aggregate classification (germline): Uncertain significance (1 of 4 stars; one submission).

Allele frequency attached by ClinVar (database versions not stated): gnomAD exomes below 0.00001.
gnomAD v4.1: 2 of 1,599,774 alleles (0.00013%); highest among the groups gnomAD compares: South Asian, 0.0011%; no homozygotes.

Submission:

GeneDx
Classification: Uncertain significance. Last evaluated: 2022-10-10. Review status: criteria provided, single submitter. Criteria: GeneDx Variant Classification Process June 2021. Collection method: clinical testing. Allele origin: germline. Affected: yes.
Comment: Not observed at significant frequency in large population cohorts (gnomAD); In silico analysis supports that this missense variant has a deleterious effect on protein structure/function; Has not been previously published as pathogenic or benign to our knowledge